The following is an entry in ClinVar:

NM_001110556.2(FLNA):c.569G>A (p.Arg190Gln)

Gene: FLNA (filamin A; minus strand). Cytogenetic location: Xq28.
Variant type: single nucleotide variant.
Coding change: c.569G>A on transcript NM_001110556.2 (MANE Select); coding-DNA position 569, G replaced by A.
Protein change: p.Arg190Gln; replaces arginine 190 with glutamine.
Molecular consequence: missense variant.
Genome position (GRCh38, 1-based): chrX:154,367,895, C>T on the plus strand (G>A on the coding strand, the complement: FLNA is on the minus strand). VCF-style: chrX-154367895-C-T. GRCh37 (hg19) VCF-style: chrX-153596263-C-T.
Other names: p.R190Q:CGG>CAG; c.569G>A, p.Arg190Gln (NM_001456.4); short protein forms R190Q.
Identifiers: ClinVar variation 213491 (VCV000213491.12), dbSNP rs782447567, ClinGen allele CA322045.

ClinVar aggregate classification (germline): Conflicting classifications of pathogenicity. Review status: criteria provided, conflicting classifications (1 of 4 stars). 4 submissions from 4 submitters: Uncertain significance (3); Likely benign (1). Last evaluated 2026-01-10.

Conditions:
Oto-palato-digital syndrome, type II (OPD2). Also called: Otopalatodigital Syndrome, Type II; FACIOPALATOOSSEOUS SYNDROME; OPD II SYNDROME; Otopalatodigital Syndrome Type 2 (FLNA-OPD2). Identifiers: Orphanet 669, Orphanet 90652, MedGen C1844696, MONDO:0010571, OMIM 304120.
Frontometaphyseal dysplasia (FMD1). Identifiers: Orphanet 1826, MedGen C0265293, MONDO:0015942.
Heterotopia, periventricular, X-linked dominant (PVNH1). Also called: PERIVENTRICULAR NODULAR HETEROTOPIA 1; X-linked periventricular heterotopia; PERIVENTRICULAR NODULAR HETEROTOPIA 4; HETEROTOPIA, PERIVENTRICULAR, 1. Identifiers: Orphanet 2149, Orphanet 82004, MedGen C1848213, MONDO:0010233, OMIM 300049.
Melnick-Needles syndrome (MNS). Also called: MELNICK-NEEDLES OSTEODYSPLASTY; OSTEODYSPLASTY OF MELNICK AND NEEDLES; Melnick-Needles Syndrome (FLNA-MNS). Identifiers: Orphanet 2484, MedGen C0025237, MONDO:0010650, OMIM 309350.
Cardiac valvular dysplasia, X-linked (CVDPX). Also called: MYXOMATOUS VALVULAR DYSTROPHY, X-LINKED; FLNA-Related X-linked Cardiac Valvular Dysplasia; VALVULAR HEART DISEASE, CONGENITAL; Congenital valvular dysplasia; Isolated X-Linked Cardiac Valvular Dysplasia. Identifiers: Orphanet 1864, Orphanet 555877, Orphanet 75497, MedGen C0262436, MONDO:0010753, OMIM 314400.
Oto-palato-digital syndrome, type I (OPD1). Also called: Otopalatodigital Syndrome, Type I; OPD I SYNDROME; OPD SYNDROME 1; Otopalatodigital Syndrome Type 1 (FLNA-OPD1); Taybi syndrome. Identifiers: Orphanet 669, Orphanet 90650, MedGen C0265251, MONDO:0010704, OMIM 311300.
Intestinal pseudoobstruction, neuronal, chronic idiopathic, X-linked (CIIPX). Also called: CONGENITAL IDIOPATHIC INTESTINAL PSEUDOOBSTRUCTION; INTESTINAL PSEUDOOBSTRUCTION, NEURONAL, CHRONIC IDIOPATHIC, WITH CENTRAL NERVOUS SYSTEM INVOLVEMENT; FLNA-Related Periventricular Nodular Heterotopia (FLNA-Related PVNH; Huttenlocher Syndrome). Identifiers: Orphanet 2301, MedGen C2746068, MONDO:0010232, OMIM 300048.
FG syndrome 2 (FGS2). Identifiers: MedGen C1845902, MONDO:0010297, OMIM 300321.
Terminal osseous dysplasia-pigmentary defects syndrome. Also called: ODPD; TERMINAL OSSEOUS DYSPLASIA AND PIGMENTARY DEFECTS; ODPF SYNDROME; OSSEOUS DYSPLASIA, DIGITAL, WITH FACIAL PIGMENTARY DEFECTS AND MULTIPLE FRENULA; Terminal Osseous Dysplasia (FLNA-TOD). Identifiers: Orphanet 88630, MedGen C1846129, MONDO:0010279, OMIM 300244.
Frontometaphyseal dysplasia 1 (FMD1). Also called: Frontometaphyseal Dysplasia (FLNA-FMD). Identifiers: Orphanet 1826, MedGen C4281559, MONDO:0024550, OMIM 305620.
Familial thoracic aortic aneurysm and aortic dissection (TAAD). Also called: Thoracic aortic aneurysms and dissections. Identifiers: Orphanet 91387, MedGen C4707243, MONDO:0019625.

Allele frequency attached by ClinVar (database versions not stated): gnomAD 0.00001; gnomAD exomes 0.00001; ExAC 0.00002; TOPMed 0.00002.
gnomAD v4.1: 8 of 1,209,506 alleles (0.00066%); highest among the groups gnomAD compares: Admixed American, 0.0022%; no homozygotes.

Submissions (4):

Ambry Genetics
Classification: Uncertain significance for Familial thoracic aortic aneurysm and aortic dissection. Last evaluated: 2026-01-10. Review status: criteria provided, single submitter. Criteria: Ambry Variant Classification Scheme 2023. Collection method: clinical testing. Allele origin: germline.
Comment: The p.R190Q variant (also known as c.569G>A), located in coding exon 2 of the FLNA gene, results from a G to A substitution at nucleotide position 569. The arginine at codon 190 is replaced by glutamine, an amino acid with highly similar properties. This amino acid position is conserved. In addition, the in silico prediction for this alteration is inconclusive. Based on the available evidence, the clinical significance of this variant remains unclear.

Labcorp Genetics (formerly Invitae), Labcorp
Classification: Likely benign for Oto-palato-digital syndrome, type II; Heterotopia, periventricular, X-linked dominant; Frontometaphyseal dysplasia; Melnick-Needles syndrome. Last evaluated: 2024-06-30. Review status: criteria provided, single submitter. Criteria: Invitae Variant Classification Sherloc (09022015). Collection method: clinical testing. Allele origin: germline.

GeneDx
Classification: Uncertain significance. Last evaluated: 2021-06-16. Review status: criteria provided, single submitter. Criteria: GeneDx Variant Classification Process June 2021. Collection method: clinical testing. Allele origin: germline. Affected: yes.
Comment: In silico analysis supports that this missense variant does not alter protein structure/function; Has not been previously published as pathogenic or benign to our knowledge; This variant is associated with the following publications: (PMID: 27535533)

Fulgent Genetics
Classification: Uncertain significance for Intestinal pseudoobstruction, neuronal, chronic idiopathic, X-linked; Heterotopia, periventricular, X-linked dominant; Terminal osseous dysplasia-pigmentary defects syndrome; FG syndrome 2; Oto-palato-digital syndrome, type II; Frontometaphyseal dysplasia 1; Melnick-Needles syndrome; Oto-palato-digital syndrome, type I; Cardiac valvular dysplasia, X-linked. Last evaluated: 2018-10-31. Review status: criteria provided, single submitter. Criteria: ACMG Guidelines, 2015. Collection method: clinical testing. Allele origin: unknown.